The following is an entry in ClinVar:

NM_000844.4(GRM7):c.951A>T (p.Gly317=)

Gene: GRM7 (glutamate metabotropic receptor 7; plus strand). Cytogenetic location: 3p26.1.
Variant type: single nucleotide variant.
Coding change: c.951A>T on transcript NM_000844.4 (MANE Select); coding-DNA position 951, A replaced by T.
Protein change: p.Gly317=; no amino-acid change (glycine 317 retained).
Molecular consequence: synonymous variant.
Genome position (GRCh38, 1-based): chr3:7,306,570, A>T. VCF-style: chr3-7306570-A-T. GRCh37 (hg19) VCF-style: chr3-7348257-A-T.
Other names: c.951A>T, p.Gly317= (NM_181874.3).
Identifiers: ClinVar variation 1638152 (VCV001638152.32), dbSNP rs2125034611, ClinGen allele CA432479623.

ClinVar aggregate classification (germline): Likely benign. Review status: criteria provided, multiple submitters, no conflicts (2 of 4 stars). 2 submissions from 2 submitters: Likely benign (2). Last evaluated 2023-04-14.

Allele frequency attached by ClinVar (database versions not stated): gnomAD exomes 0.00001.
gnomAD v4.1: 4 of 1,613,854 alleles (0.00025%); highest among the groups gnomAD compares: Non-Finnish European, 0.00034%; no homozygotes.

Submissions (2):

Labcorp Genetics (formerly Invitae), Labcorp
Classification: Likely benign. Last evaluated: 2023-04-14. Review status: criteria provided, single submitter. Criteria: Invitae Variant Classification Sherloc (09022015). Collection method: clinical testing. Allele origin: germline.

CeGaT Center for Human Genetics Tuebingen
Classification: Likely benign. Last evaluated: 2022-05-01. Review status: criteria provided, single submitter. Criteria: CeGaT Center For Human Genetics Tuebingen Variant Classification Criteria Version 2. Collection method: clinical testing. Allele origin: germline. Affected: yes. Observed: 1 variant allele.
Comment: GRM7: PM2:Supporting, BP4, BP7